The following is an entry in ClinVar:

NM_032581.4(HYCC1):c.*437G>A

Gene: HYCC1 (hyccin PI4KA lipid kinase complex subunit 1; minus strand). Cytogenetic location: 7p15.3.
Variant type: single nucleotide variant.
Coding change: c.*437G>A on transcript NM_032581.4 (MANE Select); 437 bases downstream of the stop codon, G replaced by A.
Molecular consequence: 3 prime UTR variant.
Genome position (GRCh38, 1-based): chr7:22,945,152, C>T on the plus strand (G>A on the coding strand, the complement: HYCC1 is on the minus strand). VCF-style: chr7-22945152-C-T. GRCh37 (hg19) VCF-style: chr7-22984771-C-T.
Other names: c.*1039G>A (NM_001363466.2); c.*997G>A (NM_001363467.2).
Identifiers: ClinVar variation 359756 (VCV000359756.5), dbSNP rs78447286, ClinGen allele CA10628778.

ClinVar aggregate classification (germline): Benign (1 of 4 stars; one submission).

Conditions:
Hypomyelination and Congenital Cataract (HLD5). Also called: hypomyelinating leukodystrophy 5. Identifiers: Orphanet 85163, MedGen C1864663, MONDO:0012514, OMIM 610532.

Allele frequency attached by ClinVar (database versions not stated): gnomAD exomes 0.00078; 1000 Genomes Project 0.01518; 1000 Genomes Project 30x 0.01562; gnomAD 0.01599 and 0.01735; TOPMed 0.01833.
gnomAD v4.1: 2,470 of 213,064 alleles (1.2%); highest among the groups gnomAD compares: African/African-American, 5.5%; 69 homozygotes.

Submission:

Illumina Laboratory Services, Illumina
Classification: Benign for Hypomyelination and Congenital Cataract. Last evaluated: 2018-01-13. Review status: criteria provided, single submitter. Criteria: ICSL Variant Classification Criteria 13 December 2019. Collection method: clinical testing. Allele origin: germline.
Comment: This variant was observed in the ICSL laboratory as part of a predisposition screen in an ostensibly healthy population. It had not been previously curated by ICSL or reported in the Human Gene Mutation Database (HGMD: prior to June 1st, 2018), and was therefore a candidate for classification through an automated scoring system. Utilizing variant allele frequency, disease prevalence and penetrance estimates, and inheritance mode, an automated score was calculated to assess if this variant is too frequent to cause the disease. Based on the score and internal cut-off values, a variant classified as benign is not then subjected to further curation. The score for this variant resulted in a classification of benign for this disease.